The following is an entry in ClinVar:

ClinVar aggregate classification (germline): Likely pathogenic (1 of 4 stars; one submission).

Conditions:
Left ventricular noncompaction 7 (LVNC7). Identifiers: Orphanet 54260, MedGen C3554496, MONDO:0014042, OMIM 615092.

Submission:

Human Genetics Bochum, Ruhr University Bochum
Classification: Likely pathogenic for Left ventricular noncompaction 7. Last evaluated: 2023-07-14. Review status: criteria provided, single submitter. Criteria: ACMG Guidelines, 2015. Collection method: clinical testing. Allele origin: germline. Affected: yes.
Comment: ACMG criteria used to clasify this variant: PVS1, PM2_SUP

NM_020774.4(MIB1):c.2250_2259del (p.Lys750fs)

Gene: MIB1 (MIB E3 ubiquitin protein ligase 1; plus strand). Cytogenetic location: 18q11.2.
Variant type: Deletion.
Coding change: c.2250_2259del on transcript NM_020774.4 (MANE Select); coding-DNA positions 2250 to 2259, 10 bases deleted (GAGTGCAGCA; older notation c.2250_2259delGAGTGCAGCA).
Protein change: p.Lys750fs; shifts the reading frame from lysine 750.
Molecular consequence: frameshift variant.
Genome position (GRCh38, 1-based): chr18:21,846,982-21,846,991, GAGTGCAGCA deleted; deleting any 10 consecutive bases within chr18:21,846,981-21,846,991 gives the same sequence; the c. name uses the placement nearest the transcript's 3' end. VCF-style (leftmost placement, unchanged base first): chr18-21846980-AAGAGTGCAGC-A. GRCh37 (hg19) VCF-style: chr18-19426941-AAGAGTGCAGC-A.
Other names: short protein forms K750fs.
Identifiers: ClinVar variation 3027436 (VCV003027436.1), dbSNP rs2510764215, ClinGen allele CA2740093973.
Genomic context (GRCh38, chr18:21,846,980, plus strand): 5'-TCATGACTCTTTATTTTATTGCAGTTAATAATGGGACTTGGTACCCAGGGGGCAGAGAAG[AAGAGTGCAGC>A]ATCTATTGCCTGTTTCTTGGCAGCCAATGGTGCTGACCTGAGCATTCGAAATAAGAAGGG-3'